The following is an entry in ClinVar:

ClinVar aggregate classification (germline): Uncertain significance (1 of 4 stars; one submission).

Allele frequency attached by ClinVar (database versions not stated): ExAC 0.00001; gnomAD 0.00001; TOPMed 0.00001.

Submission:

Labcorp Genetics (formerly Invitae), Labcorp
Classification: Uncertain significance. Last evaluated: 2023-01-17. Review status: criteria provided, single submitter. Criteria: Invitae Variant Classification Sherloc (09022015). Collection method: clinical testing. Allele origin: germline.
Comment: In summary, the available evidence is currently insufficient to determine the role of this variant in disease. Therefore, it has been classified as a Variant of Uncertain Significance. Advanced modeling of protein sequence and biophysical properties (such as structural, functional, and spatial information, amino acid conservation, physicochemical variation, residue mobility, and thermodynamic stability) performed at Invitae indicates that this missense variant is not expected to disrupt FZD2 protein function. This variant has not been reported in the literature in individuals affected with FZD2-related conditions. This variant is present in population databases (rs771900202, gnomAD 0.002%). This sequence change replaces arginine, which is basic and polar, with leucine, which is neutral and non-polar, at codon 309 of the FZD2 protein (p.Arg309Leu).

NM_001466.4(FZD2):c.926G>T (p.Arg309Leu)

Gene: FZD2 (frizzled class receptor 2; plus strand). Cytogenetic location: 17q21.31.
Variant type: single nucleotide variant.
Coding change: c.926G>T on transcript NM_001466.4 (MANE Select); coding-DNA position 926, G replaced by T.
Protein change: p.Arg309Leu; replaces arginine 309 with leucine.
Molecular consequence: missense variant.
Genome position (GRCh38, 1-based): chr17:44,558,614, G>T. VCF-style: chr17-44558614-G-T. GRCh37 (hg19) VCF-style: chr17-42635982-G-T.
Other names: short protein forms R309L.
Identifiers: ClinVar variation 2071636 (VCV002071636.4), dbSNP rs771900202, ClinGen allele CA8604723.